The following is an entry in ClinVar:

NM_005219.5(DIAPH1):c.200C>T (p.Ala67Val)

Gene: DIAPH1 (diaphanous related formin 1; minus strand). Cytogenetic location: 5q31.3.
Variant type: single nucleotide variant.
Coding change: c.200C>T on transcript NM_005219.5 (MANE Select); coding-DNA position 200, C replaced by T.
Protein change: p.Ala67Val; replaces alanine 67 with valine.
Molecular consequence: missense variant.
Genome position (GRCh38, 1-based): chr5:141,587,142, G>A on the plus strand (C>T on the coding strand, the complement: DIAPH1 is on the minus strand). VCF-style: chr5-141587142-G-A. GRCh37 (hg19) VCF-style: chr5-140966709-G-A.
Other names: p.Ala67Val; c.173C>T, p.Ala58Val (NM_001079812.3); c.200C>T, p.Ala67Val (NM_001314007.2); short protein forms A67V, A58V.
Identifiers: ClinVar variation 351306 (VCV000351306.22), dbSNP rs142480526, ClinGen allele CA3479666.

ClinVar aggregate classification (germline): Benign/Likely benign. Review status: criteria provided, multiple submitters, no conflicts (2 of 4 stars). 5 submissions from 5 submitters: Benign (3); Likely benign (1). 1 of the submissions does not count toward it. Last evaluated 2025-12-28.

Conditions:
DIAPH1-related disorder. Also called: DIAPH1-related condition.
Autosomal dominant nonsyndromic hearing loss 1. Also called: KONIGSMARK SYNDROME; DEAFNESS, AUTOSOMAL DOMINANT 1, WITH OR WITHOUT THROMBOCYTOPENIA. Identifiers: Orphanet 90635, MedGen C1852282, MONDO:0007424, OMIM 124900.
Progressive microcephaly-seizures-cortical blindness-developmental delay syndrome. Also called: Seizures, cortical blindness, and microcephaly syndrome. Identifiers: Orphanet 477814, MedGen C5567650, MONDO:0014714, OMIM 616632.

Allele frequency attached by ClinVar (database versions not stated): ESP Exome Variant Server 0.00008; gnomAD 0.00018 and 0.00032; gnomAD exomes 0.00030 and 0.00053; TOPMed 0.00040; ExAC 0.00050; 1000 Genomes Project 0.00100; 1000 Genomes Project 30x 0.00156.
gnomAD v4.1: 475 of 1,614,092 alleles (0.029%); highest among the groups gnomAD compares: East Asian, 0.92%; 2 homozygotes.

Submissions (5):

Labcorp Genetics (formerly Invitae), Labcorp
Classification: Benign for Progressive microcephaly-seizures-cortical blindness-developmental delay syndrome; Autosomal dominant nonsyndromic hearing loss 1. Last evaluated: 2025-12-28. Review status: criteria provided, single submitter. Criteria: Invitae Variant Classification Sherloc (09022015). Collection method: clinical testing. Allele origin: germline.

GeneDx
Classification: Benign. Last evaluated: 2018-10-19. Review status: criteria provided, single submitter. Criteria: GeneDx Variant Classification Process June 2021. Collection method: clinical testing. Allele origin: germline. Affected: yes.

Illumina Laboratory Services, Illumina
Classification: Benign for Autosomal dominant nonsyndromic hearing loss 1. Last evaluated: 2018-01-12. Review status: criteria provided, single submitter. Criteria: ICSL Variant Classification Criteria 13 December 2019. Collection method: clinical testing. Allele origin: germline.
Comment: This variant was observed in the ICSL laboratory as part of a predisposition screen in an ostensibly healthy population. It had not been previously curated by ICSL or reported in the Human Gene Mutation Database (HGMD: prior to June 1st, 2018), and was therefore a candidate for classification through an automated scoring system. Utilizing variant allele frequency, disease prevalence and penetrance estimates, and inheritance mode, an automated score was calculated to assess if this variant is too frequent to cause the disease. Based on the score and internal cut-off values, a variant classified as benign is not then subjected to further curation. The score for this variant resulted in a classification of benign for this disease.

Laboratory for Molecular Medicine, Mass General Brigham Personalized Medicine
Classification: Likely benign. Last evaluated: 2017-08-23. Review status: criteria provided, single submitter. Criteria: LMM Criteria. Collection method: clinical testing. Allele origin: germline. Observed: 1 variant allele.
Comment: p.Ala67Val in exon 3 of DIAPH1: This variant is not expected to have clinical si gnificance because it has been identified in 0.64% (55/8616) of East Asian chrom osomes by the Exome Aggregation Consortium (ExAC ; dbSNP rs142480526).

PreventionGenetics, part of Exact Sciences
Classification: Benign for DIAPH1-related condition. Last evaluated: 2020-01-15. Review status: no assertion criteria provided. Collection method: clinical testing. Allele origin: germline. Not counted in ClinVar's aggregate classification.
Comment: This variant is classified as benign based on ACMG/AMP sequence variant interpretation guidelines (Richards et al. 2015 PMID: 25741868, with internal and published modifications).